The following is an entry in ClinVar:

ClinVar aggregate classification (germline): Uncertain significance (1 of 4 stars; one submission).

Submission:

Labcorp Genetics (formerly Invitae), Labcorp
Classification: Uncertain significance. Last evaluated: 2025-12-23. Review status: criteria provided, single submitter. Criteria: Invitae Variant Classification Sherloc (09022015). Collection method: clinical testing. Allele origin: germline.
Comment: This sequence change replaces cysteine, which is neutral and slightly polar, with phenylalanine, which is neutral and non-polar, at codon 1023 of the TONSL protein (p.Cys1023Phe). This variant is not present in population databases (gnomAD no frequency). This variant has not been reported in the literature in individuals affected with TONSL-related conditions. Invitae Evidence Modeling of protein sequence and biophysical properties (such as structural, functional, and spatial information, amino acid conservation, physicochemical variation, residue mobility, and thermodynamic stability) indicates that this missense variant is expected to disrupt TONSL protein function with a positive predictive value of 80%. In summary, the available evidence is currently insufficient to determine the role of this variant in disease. Therefore, it has been classified as a Variant of Uncertain Significance.

NM_013432.5(TONSL):c.3068G>T (p.Cys1023Phe)

Gene: TONSL (tonsoku like, DNA repair protein; minus strand). Cytogenetic location: 8q24.3.
Variant type: single nucleotide variant.
Coding change: c.3068G>T on transcript NM_013432.5 (MANE Select); coding-DNA position 3068, G replaced by T.
Protein change: p.Cys1023Phe; replaces cysteine 1023 with phenylalanine.
Molecular consequence: missense variant.
Genome position (GRCh38, 1-based): chr8:144,434,828, C>A on the plus strand (G>T on the coding strand, the complement: TONSL is on the minus strand). VCF-style: chr8-144434828-C-A. GRCh37 (hg19) VCF-style: chr8-145660211-C-A.
Other names: short protein forms C1023F.
Identifiers: ClinVar variation 4744143 (VCV004744143.1).
Genomic context (GRCh38, chr8:144,434,828, plus strand): 5'-TTGTACGACCTCACCCAGAAACTGCAGCTCTCCTGGCCCTCACCTTGCCCCAGGCTCTGG[C>A]AGGCCCTGCGGTAGCGGTCAGTCAACGGGGGCAGGTCCCACGAAGTCACCTCAGCCAACA-3'
Protein context (NP_038460.4, residues 1013-1033): PPLTDRYRRA[Cys1023Phe]QSLGQGEHQQ